The following is an entry in ClinVar:

ClinVar aggregate classification (germline): Uncertain significance (1 of 4 stars; one submission).

Submission:

Labcorp Genetics (formerly Invitae), Labcorp
Classification: Uncertain significance. Last evaluated: 2021-05-08. Review status: criteria provided, single submitter. Criteria: Invitae Variant Classification Sherloc (09022015). Collection method: clinical testing. Allele origin: germline.
Comment: Advanced modeling of protein sequence and biophysical properties (such as structural, functional, and spatial information, amino acid conservation, physicochemical variation, residue mobility, and thermodynamic stability) performed at Invitae indicates that this missense variant is not expected to disrupt COL9A1 protein function. This variant has not been reported in the literature in individuals with COL9A1-related conditions. This variant is not present in population databases (ExAC no frequency). This sequence change replaces glutamic acid with glutamine at codon 876 of the COL9A1 protein (p.Glu876Gln). The glutamic acid residue is moderately conserved and there is a small physicochemical difference between glutamic acid and glutamine. In summary, the available evidence is currently insufficient to determine the role of this variant in disease. Therefore, it has been classified as a Variant of Uncertain Significance.

NM_001851.6(COL9A1):c.2626G>C (p.Glu876Gln)

Gene: COL9A1 (collagen type IX alpha 1 chain; minus strand). Cytogenetic location: 6q13.
Variant type: single nucleotide variant.
Coding change: c.2626G>C on transcript NM_001851.6 (MANE Select); coding-DNA position 2626, G replaced by C.
Protein change: p.Glu876Gln; replaces glutamic acid 876 with glutamine.
Molecular consequence: missense variant. On other transcripts: non-coding transcript variant (1).
Genome position (GRCh38, 1-based): chr6:70,217,037, C>G on the plus strand (G>C on the coding strand, the complement: COL9A1 is on the minus strand). VCF-style: chr6-70217037-C-G. GRCh37 (hg19) VCF-style: chr6-70926740-C-G.
Other names: c.1927G>C, p.Glu643Gln (NM_001377289.1); c.1750G>C, p.Glu584Gln (NM_001377290.1); c.1897G>C, p.Glu633Gln (NM_078485.4); short protein forms E633Q, E876Q, E584Q, E643Q.
Identifiers: ClinVar variation 1473890 (VCV001473890.8), dbSNP rs2127544097, ClinGen allele CA364668063.